The following is an entry in ClinVar:

ClinVar aggregate classification (germline): Uncertain significance (1 of 4 stars; one submission).

Conditions:
Developmental delay with variable neurologic and brain abnormalities (MLHNS). Also called: MALHOTRA NEURODEVELOPMENTAL SYNDROME. Identifiers: MedGen C5562060, MONDO:0859218, OMIM 619694.

Submission:

Dasa
Classification: Uncertain significance for Developmental delay with variable neurologic and brain abnormalities. Last evaluated: 2026-03-19. Review status: criteria provided, single submitter. Criteria: DASA Assertion Criteria. Collection method: clinical testing. Allele origin: germline.
Comment: NM_001007527.2(LMBRD2):c.443T>C (p.Leu148Pro) is a missense variant that results in the substitution of leucine with proline. This variant is absent from population databases. Computational prediction algorithms are consistent with a deleterious effect. The currently available literature and clinical evidence are not sufficient to establish a definitive association between this variant and the reported condition. Therefore, this variant is classified as a variant of uncertain significance.

NM_001007527.2(LMBRD2):c.443T>C (p.Leu148Pro)

Gene: LMBRD2 (LMBR1 domain containing 2; minus strand). Cytogenetic location: 5p13.2.
Variant type: single nucleotide variant.
Coding change: c.443T>C on transcript NM_001007527.2 (MANE Select); coding-DNA position 443, T replaced by C.
Protein change: p.Leu148Pro; replaces leucine 148 with proline.
Molecular consequence: missense variant.
Genome position (GRCh38, 1-based): chr5:36,137,367, A>G on the plus strand (T>C on the coding strand, the complement: LMBRD2 is on the minus strand). VCF-style: chr5-36137367-A-G. GRCh37 (hg19) VCF-style: chr5-36137469-A-G.
Other names: short protein forms L148P.
Identifiers: ClinVar variation 4881027 (VCV004881027.2).
Genomic context (GRCh38, chr5:36,137,367, plus strand): 5'-TAAATTAAAAATGCTCCAAAAATCAGCAAATAGGTGCCATAGTAGATTGCATTCTCAATT[A>G]GTGCAGTTTTGATCTTTCCAGTGATGGAAAACCCTCCTGATCTTGCATATGACTGCATAA-3'
Protein context (NP_001007528.1, residues 138-158): FSITGKIKTA[Leu148Pro]IENAIYYGTY